The following is an entry in ClinVar:

NM_001080397.3(SLC45A1):c.843C>T (p.Thr281=)

Gene: SLC45A1 (solute carrier family 45 member 1; plus strand). Cytogenetic location: 1p36.23.
Variant type: single nucleotide variant.
Coding change: c.843C>T on transcript NM_001080397.3 (MANE Select); coding-DNA position 843, C replaced by T.
Protein change: p.Thr281=; no amino-acid change (threonine 281 retained).
Molecular consequence: synonymous variant.
Genome position (GRCh38, 1-based): chr1:8,330,336, C>T. VCF-style: chr1-8330336-C-T. GRCh37 (hg19) VCF-style: chr1-8390396-C-T.
Other names: c.843C>T, p.Thr281= (NM_001379614.1); c.750C>T, p.Thr250= (NM_001379615.1, NM_001379616.1); c.237C>T, p.Thr79= (NM_001379617.1, NM_001379618.1).
Identifiers: ClinVar variation 4822084 (VCV004822084.4).

ClinVar aggregate classification (germline): Likely benign (1 of 4 stars; one submission).

gnomAD v4.1: 58 of 1,613,552 alleles (0.0036%); highest among the groups gnomAD compares: East Asian, 0.056%; no homozygotes.

Submission:

CeGaT Center for Human Genetics Tuebingen
Classification: Likely benign. Last evaluated: 2026-01-01. Review status: criteria provided, single submitter. Criteria: CeGaT Center For Human Genetics Tuebingen Variant Classification Criteria Version 2. Collection method: clinical testing. Allele origin: germline. Affected: yes. Observed: 1 variant allele.
Comment: SLC45A1: BP4, BP7